The following is an entry in ClinVar:

NM_001065.4(TNFRSF1A):c.1318G>A (p.Ala440Thr)

Gene: TNFRSF1A (TNF receptor superfamily member 1A; minus strand). Cytogenetic location: 12p13.31.
Variant type: single nucleotide variant.
Coding change: c.1318G>A on transcript NM_001065.4 (MANE Select); coding-DNA position 1318, G replaced by A.
Protein change: p.Ala440Thr; replaces alanine 440 with threonine.
Molecular consequence: missense variant. On other transcripts: non-coding transcript variant (1).
Genome position (GRCh38, 1-based): chr12:6,329,362, C>T on the plus strand (G>A on the coding strand, the complement: TNFRSF1A is on the minus strand). VCF-style: chr12-6329362-C-T. GRCh37 (hg19) VCF-style: chr12-6438528-C-T.
Other names: c.994G>A, p.Ala332Thr (NM_001346091.2); c.859G>A, p.Ala287Thr (NM_001346092.2); short protein forms A287T, A332T, A440T.
Identifiers: ClinVar variation 3007453 (VCV003007453.3), dbSNP rs1947997276, ClinGen allele CA383544370.

ClinVar aggregate classification (germline): Uncertain significance (1 of 4 stars; one submission).

Conditions:
TNF receptor-associated periodic fever syndrome (TRAPS) (FPF). Also called: Autosomal Dominant Familial Periodic Fever; FAMILIAL HIBERNIAN FEVER; TNF RECEPTOR-ASSOCIATED PERIODIC SYNDROME; TUMOR NECROSIS FACTOR RECEPTOR-ASSOCIATED PERIODIC SYNDROME; TNF Receptor-Associated Periodic Fever Syndrome; TNF receptor 1-associated periodic fever syndrome. Identifiers: Orphanet 32960, MedGen C1275126, MONDO:0007727, OMIM 142680.

gnomAD v4.1: 2 of 1,495,728 alleles (0.00013%); highest among the groups gnomAD compares: Non-Finnish European, 0.00018%; no homozygotes.

Submission:

Labcorp Genetics (formerly Invitae), Labcorp
Classification: Uncertain significance for TNF receptor-associated periodic fever syndrome (TRAPS). Last evaluated: 2023-11-13. Review status: criteria provided, single submitter. Criteria: Invitae Variant Classification Sherloc (09022015). Collection method: clinical testing. Allele origin: germline.
Comment: This sequence change replaces alanine, which is neutral and non-polar, with threonine, which is neutral and polar, at codon 440 of the TNFRSF1A protein (p.Ala440Thr). This variant is not present in population databases (gnomAD no frequency). This variant has not been reported in the literature in individuals affected with TNFRSF1A-related conditions. Algorithms developed to predict the effect of missense changes on protein structure and function output the following: SIFT: "Not Available"; PolyPhen-2: "Not Available"; Align-GVGD: "Not Available". The threonine amino acid residue is found in multiple mammalian species, which suggests that this missense change does not adversely affect protein function. In summary, the available evidence is currently insufficient to determine the role of this variant in disease. Therefore, it has been classified as a Variant of Uncertain Significance.